The following is an entry in ClinVar:

NM_001199107.2(TBC1D24):c.1411G>A (p.Ala471Thr)

Gene: TBC1D24 (TBC1 domain family member 24; plus strand). Cytogenetic location: 16p13.3.
Variant type: single nucleotide variant.
Coding change: c.1411G>A on transcript NM_001199107.2 (MANE Select); coding-DNA position 1411, G replaced by A.
Protein change: p.Ala471Thr; replaces alanine 471 with threonine.
Molecular consequence: missense variant.
Genome position (GRCh38, 1-based): chr16:2,500,376, G>A. VCF-style: chr16-2500376-G-A. GRCh37 (hg19) VCF-style: chr16-2550377-G-A.
Other names: c.1393G>A, p.Ala465Thr (NM_020705.3); short protein forms A471T, A465T.
Identifiers: ClinVar variation 425090 (VCV000425090.61), dbSNP rs377448015, ClinGen allele CA7844289.

ClinVar aggregate classification (germline): Conflicting classifications of pathogenicity. Review status: criteria provided, conflicting classifications (1 of 4 stars). 6 submissions from 6 submitters: Uncertain significance (3); Likely benign (3). Last evaluated 2026-10-19.

Conditions:
Autosomal dominant nonsyndromic hearing loss 65. Also called: TBC1D24-Related Autosomal Dominant Nonsyndromic Hearing Loss (DFNA); Deafness, autosomal dominant 65. Identifiers: Orphanet 90635, MedGen C3892048, MONDO:0014470, OMIM 616044.
Developmental and epileptic encephalopathy, 1 (DEE1). Also called: Epileptic encephalopathy, early infantile, 1; X-linked infantile spasms; West's syndrome; Tonic spasms with clustering, arrest of psychomotor development and hypsarrhythmia on EEG; X-Linked Infantile Spasm Syndrome; OHTAHARA SYNDROME, X-LINKED. Identifiers: MedGen C3463992, MONDO:0010632, OMIM 308350. Disease mechanism: loss of function.
Inborn genetic diseases. Identifiers: MedGen C0950123, MeSH D030342.

Allele frequency attached by ClinVar (database versions not stated): gnomAD exomes 0.00021; ESP Exome Variant Server 0.00008; TOPMed 0.00018; ExAC 0.00019; gnomAD 0.00021.
gnomAD v4.1: 261 of 1,607,268 alleles (0.016%); highest among the groups gnomAD compares: Middle Eastern, 0.066%; no homozygotes.

Submissions (6):

GeneDx
Classification: Uncertain significance. Last evaluated: 2026-10-19. Review status: criteria provided, single submitter. Criteria: GeneDx Variant Classification Process June 2021. Collection method: clinical testing. Allele origin: germline.
Comment: In silico analysis suggests that this missense variant does not alter protein structure/function; Has not been previously published as pathogenic or benign to our knowledge; This variant is associated with the following publications: (PMID: 24291220)

Labcorp Genetics (formerly Invitae), Labcorp
Classification: Likely benign for Developmental and epileptic encephalopathy, 1; Autosomal dominant nonsyndromic hearing loss 65. Last evaluated: 2025-11-24. Review status: criteria provided, single submitter. Criteria: Invitae Variant Classification Sherloc (09022015). Collection method: clinical testing. Allele origin: germline.

Blueprint Genetics
Classification: Likely benign. Last evaluated: 2024-11-05. Review status: criteria provided, single submitter. Criteria: ACMG Guidelines, 2015. Collection method: clinical testing. Allele origin: germline.

Ambry Genetics
Classification: Likely benign for Inborn genetic diseases. Last evaluated: 2018-01-19. Review status: criteria provided, single submitter. Criteria: Ambry Variant Classification Scheme 2023. Collection method: clinical testing. Allele origin: germline.

Eurofins Ntd Llc (ga)
Classification: Uncertain significance. Last evaluated: 2017-07-21. Review status: criteria provided, single submitter. Criteria: EGL Classification Definitions 2015. Collection method: clinical testing. Allele origin: germline. Observed: 1 variant allele, 1 heterozygote.

CeGaT Center for Human Genetics Tuebingen
Classification: Uncertain significance. Last evaluated: 2017-01-01. Review status: criteria provided, single submitter. Criteria: CeGaT Center For Human Genetics Tuebingen Variant Classification Criteria Version 2. Collection method: clinical testing. Allele origin: germline. Affected: yes. Observed: 1 variant allele.

Literature cited by the submitters: PubMed 24291220 (cited by Ambry Genetics).